The following is an entry in ClinVar:

ClinVar aggregate classification (germline): Uncertain significance (1 of 4 stars; one submission).

Conditions:
Werner syndrome (WRN). Identifiers: Orphanet 902, MedGen C0043119, MONDO:0010196, OMIM 277700.

Allele frequency attached by ClinVar (database versions not stated): TOPMed below 0.00001.

Submission:

Labcorp Genetics (formerly Invitae), Labcorp
Classification: Uncertain significance for Werner syndrome. Last evaluated: 2023-10-04. Review status: criteria provided, single submitter. Criteria: Invitae Variant Classification Sherloc (09022015). Collection method: clinical testing. Allele origin: germline.
Comment: This sequence change replaces cysteine, which is neutral and slightly polar, with serine, which is neutral and polar, at codon 197 of the WRN protein (p.Cys197Ser). This variant is not present in population databases (gnomAD no frequency). This variant has not been reported in the literature in individuals affected with WRN-related conditions. ClinVar contains an entry for this variant (Variation ID: 1495837). An algorithm developed to predict the effect of missense changes on protein structure and function (PolyPhen-2) suggests that this variant is likely to be disruptive. In summary, the available evidence is currently insufficient to determine the role of this variant in disease. Therefore, it has been classified as a Variant of Uncertain Significance.

NM_000553.6(WRN):c.590G>C (p.Cys197Ser)

Gene: WRN (WRN RecQ like helicase; plus strand). Cytogenetic location: 8p12.
Variant type: single nucleotide variant.
Coding change: c.590G>C on transcript NM_000553.6 (MANE Select); coding-DNA position 590, G replaced by C.
Protein change: p.Cys197Ser; replaces cysteine 197 with serine.
Molecular consequence: missense variant.
Genome position (GRCh38, 1-based): chr8:31,067,118, G>C. VCF-style: chr8-31067118-G-C. GRCh37 (hg19) VCF-style: chr8-30924634-G-C.
Other names: short protein forms C197S.
Identifiers: ClinVar variation 1495837 (VCV001495837.8), dbSNP rs1812738619, ClinGen allele CA370916185.